The following is an entry in ClinVar:

NM_001166108.2(PALLD):c.2099C>T (p.Pro700Leu)

Gene: PALLD (palladin, cytoskeletal associated protein; plus strand). Cytogenetic location: 4q32.3.
Variant type: single nucleotide variant.
Coding change: c.2099C>T on transcript NM_001166108.2 (MANE Select); coding-DNA position 2099, C replaced by T.
Protein change: p.Pro700Leu; replaces proline 700 with leucine.
Molecular consequence: missense variant. On other transcripts: 5 prime UTR variant (4).
Genome position (GRCh38, 1-based): chr4:168,891,056, C>T. VCF-style: chr4-168891056-C-T. GRCh37 (hg19) VCF-style: chr4-169812207-C-T.
Other names: c.953C>T, p.Pro318Leu (NM_001166109.2); c.638C>T, p.Pro213Leu (NM_001166110.2); c.-23C>T (NM_001367567.1, NM_001367568.1, NM_001367569.1 and 1 more transcripts); c.2099C>T, p.Pro700Leu (NM_016081.4); short protein forms P700L, P213L, P318L.
Identifiers: ClinVar variation 1396096 (VCV001396096.11), dbSNP rs1255873290, ClinGen allele CA358797345.

ClinVar aggregate classification (germline): Uncertain significance. Review status: criteria provided, multiple submitters, no conflicts (2 of 4 stars). 3 submissions from 3 submitters: Uncertain significance (3). Last evaluated 2024-05-07.

Conditions:
Pancreatic adenocarcinoma. Identifiers: MedGen C0281361, MONDO:0006047, HP:0006725.
Pancreatic cancer, susceptibility to, 1. Identifiers: Orphanet 1333, MedGen C1847351, MONDO:0011739, OMIM 606856.

Allele frequency attached by ClinVar (database versions not stated): gnomAD exomes below 0.00001 and 0.00001; gnomAD 0.00001.
gnomAD v4.1: 12 of 1,613,882 alleles (0.00074%); highest among the groups gnomAD compares: East Asian, 0.0022%; no homozygotes.

Submissions (3):

Fulgent Genetics
Classification: Uncertain significance for Pancreatic cancer, susceptibility to, 1. Last evaluated: 2024-05-07. Review status: criteria provided, single submitter. Criteria: ACMG Guidelines, 2015. Collection method: clinical testing. Allele origin: germline.

Ambry Genetics
Classification: Uncertain significance. Last evaluated: 2021-12-20. Review status: criteria provided, single submitter. Criteria: Ambry Variant Classification Scheme 2023. Collection method: clinical testing. Allele origin: germline.
Comment: The p.P700L variant (also known as c.2099C>T), located in coding exon 10 of the PALLD gene, results from a C to T substitution at nucleotide position 2099. The proline at codon 700 is replaced by leucine, an amino acid with similar properties. This amino acid position is conserved. In addition, the in silico prediction for this alteration is inconclusive. Since supporting evidence is limited at this time, the clinical significance of this alteration remains unclear.

Labcorp Genetics (formerly Invitae), Labcorp
Classification: Uncertain significance for Pancreatic adenocarcinoma. Last evaluated: 2021-04-04. Review status: criteria provided, single submitter. Criteria: Invitae Variant Classification Sherloc (09022015). Collection method: clinical testing. Allele origin: germline.
Comment: In summary, the available evidence is currently insufficient to determine the role of this variant in disease. Therefore, it has been classified as a Variant of Uncertain Significance. Algorithms developed to predict the effect of sequence changes on RNA splicing suggest that this variant may disrupt the consensus splice site, but this prediction has not been confirmed by published transcriptional studies. Algorithms developed to predict the effect of missense changes on protein structure and function are either unavailable or do not agree on the potential impact of this missense change (SIFT: "Deleterious"; PolyPhen-2: "Benign"; Align-GVGD: "Class C65"). This variant has not been reported in the literature in individuals with PALLD-related conditions. This variant is not present in population databases (ExAC no frequency). This sequence change replaces proline with leucine at codon 213 of the PALLD protein (p.Pro213Leu). The proline residue is highly conserved and there is a moderate physicochemical difference between proline and leucine.